The following is an entry in ClinVar:

NM_000553.6(WRN):c.2631-6C>G

Gene: WRN (WRN RecQ like helicase; plus strand). Cytogenetic location: 8p12.
Variant type: single nucleotide variant.
Coding change: c.2631-6C>G on transcript NM_000553.6 (MANE Select); 6 bases into the intron before coding-DNA position 2631, C replaced by G.
Molecular consequence: intron variant.
Genome position (GRCh38, 1-based): chr8:31,124,516, C>G. VCF-style: chr8-31124516-C-G. GRCh37 (hg19) VCF-style: chr8-30982032-C-G.
Identifiers: ClinVar variation 1015825 (VCV001015825.5), dbSNP rs776268892, ClinGen allele CA2499219257.

ClinVar aggregate classification (germline): Uncertain significance (1 of 4 stars; one submission).

Conditions:
Werner syndrome (WRN). Identifiers: Orphanet 902, MedGen C0043119, MONDO:0010196, OMIM 277700.

Submission:

Labcorp Genetics (formerly Invitae), Labcorp
Classification: Uncertain significance for Werner syndrome. Last evaluated: 2020-08-30. Review status: criteria provided, single submitter. Criteria: Invitae Variant Classification Sherloc (09022015). Collection method: clinical testing. Allele origin: germline.
Comment: Algorithms developed to predict the effect of sequence changes on RNA splicing suggest that this variant may disrupt the consensus splice site, but this prediction has not been confirmed by published transcriptional studies. This sequence change falls in intron 21 of the WRN gene. It does not directly change the encoded amino acid sequence of the WRN protein. This variant is not present in population databases (ExAC no frequency). This variant has not been reported in the literature in individuals with WRN-related conditions. In summary, the available evidence is currently insufficient to determine the role of this variant in disease. Therefore, it has been classified as a Variant of Uncertain Significance.